The following is an entry in ClinVar:

NM_006531.5(IFT88):c.1384A>G (p.Met462Val)

Gene: IFT88 (intraflagellar transport 88; plus strand). Cytogenetic location: 13q12.11.
Variant type: single nucleotide variant.
Coding change: c.1384A>G on transcript NM_006531.5 (MANE Select); coding-DNA position 1384, A replaced by G.
Protein change: p.Met462Val; replaces methionine 462 with valine.
Molecular consequence: missense variant. On other transcripts: non-coding transcript variant (5).
Genome position (GRCh38, 1-based): chr13:20,631,100, A>G. VCF-style: chr13-20631100-A-G. GRCh37 (hg19) VCF-style: chr13-21205239-A-G.
Other names: c.1327A>G, p.Met443Val (NM_001318491.2, NM_001353575.2); c.1411A>G, p.Met471Val (NM_001318493.2, NM_001353565.2, NM_001353566.2 and 2 more transcripts); c.1384A>G, p.Met462Val (NM_001353568.2, NM_001353572.2); c.1309A>G, p.Met437Val (NM_001353569.2, NM_001353570.2, NM_001353576.2 and 1 more transcripts); c.1282A>G, p.Met428Val (NM_001353571.2, NM_001353578.2); c.1240A>G, p.Met414Val (NM_001353573.2); c.1225A>G, p.Met409Val (NM_001353574.2); c.751A>G, p.Met251Val (NM_001353579.2); and 1 more; short protein forms M437V, M471V, M443V, M462V, M251V, M409V, M414V, M428V.
Identifiers: ClinVar variation 1925194 (VCV001925194.6), dbSNP rs753871853, ClinGen allele CA6905389.

ClinVar aggregate classification (germline): Uncertain significance. Review status: criteria provided, multiple submitters, no conflicts (2 of 4 stars). 2 submissions from 2 submitters: Uncertain significance (2). Last evaluated 2025-06-22.

Allele frequency attached by ClinVar (database versions not stated): ExAC 0.00001; gnomAD 0.00002; TOPMed 0.00002; gnomAD exomes 0.00003.
gnomAD v4.1: 50 of 1,589,612 alleles (0.0031%); highest among the groups gnomAD compares: Non-Finnish European, 0.0042%; no homozygotes.

Submissions (2):

Labcorp Genetics (formerly Invitae), Labcorp
Classification: Uncertain significance. Last evaluated: 2025-06-22. Review status: criteria provided, single submitter. Criteria: Invitae Variant Classification Sherloc (09022015). Collection method: clinical testing. Allele origin: germline.
Comment: This sequence change replaces methionine, which is neutral and non-polar, with valine, which is neutral and non-polar, at codon 471 of the IFT88 protein (p.Met471Val). This variant is not present in population databases (gnomAD no frequency). This variant has not been reported in the literature in individuals affected with IFT88-related conditions. ClinVar contains an entry for this variant (Variation ID: 1925194). An algorithm developed to predict the effect of missense changes on protein structure and function (PolyPhen-2) suggests that this variant is likely to be tolerated. In summary, the available evidence is currently insufficient to determine the role of this variant in disease. Therefore, it has been classified as a Variant of Uncertain Significance.

Ambry Genetics
Classification: Uncertain significance. Last evaluated: 2023-12-20. Review status: criteria provided, single submitter. Criteria: Ambry Variant Classification Scheme 2023. Collection method: clinical testing. Allele origin: germline.